The following is an entry in ClinVar:

NM_000455.5(STK11):c.33G>T (p.Met11Ile)

Gene: STK11 (serine/threonine kinase 11; plus strand). Cytogenetic location: 19p13.3.
Variant type: single nucleotide variant.
Coding change: c.33G>T on transcript NM_000455.5 (MANE Select); coding-DNA position 33, G replaced by T.
Protein change: p.Met11Ile; replaces methionine 11 with isoleucine.
Molecular consequence: missense variant.
Genome position (GRCh38, 1-based): chr19:1,206,946, G>T. VCF-style: chr19-1206946-G-T. GRCh37 (hg19) VCF-style: chr19-1206945-G-T.
Other names: short protein forms M11I.
Identifiers: ClinVar variation 230472 (VCV000230472.11), dbSNP rs757411357, ClinGen allele CA047149.

ClinVar aggregate classification (germline): Conflicting classifications of pathogenicity. Review status: criteria provided, conflicting classifications (1 of 4 stars). 3 submissions from 3 submitters: Uncertain significance (2); Likely benign (1). Last evaluated 2026-08-28.

Conditions:
Hereditary cancer-predisposing syndrome. Also called: Tumor predisposition; Neoplastic Syndromes, Hereditary; Hereditary Cancer Syndrome; Hereditary neoplastic syndrome. Identifiers: Orphanet 140162, MedGen C0027672, MeSH D009386, MONDO:0015356.
Peutz-Jeghers syndrome (PJS). Also called: POLYPOSIS, HAMARTOMATOUS INTESTINAL; POLYPS-AND-SPOTS SYNDROME; Peutz-Jeghers polyposis; Periorificial lentiginosis syndrome. Identifiers: Orphanet 2869, MedGen C0031269, MeSH D010580, MONDO:0008280, OMIM 175200.

Allele frequency attached by ClinVar (database versions not stated): ExAC 0.00002; gnomAD exomes below 0.00001.

Submissions (3):

Ambry Genetics
Classification: Likely benign for Hereditary cancer-predisposing syndrome. Last evaluated: 2026-08-28. Review status: criteria provided, single submitter. Criteria: Ambry Variant Classification Scheme 2023. Collection method: clinical testing. Allele origin: germline.

Genome-Nilou Lab
Classification: Uncertain significance for Peutz-Jeghers syndrome. Last evaluated: 2021-07-15. Review status: criteria provided, single submitter. Criteria: ACMG Guidelines, 2015. Collection method: clinical testing. Allele origin: germline. Affected: no.

Color Diagnostics, LLC DBA Color Health
Classification: Uncertain significance for Hereditary cancer-predisposing syndrome. Last evaluated: 2020-09-04. Review status: criteria provided, single submitter. Criteria: ACMG Guidelines, 2015. Collection method: clinical testing. Allele origin: germline.
Comment: This missense variant replaces methionine with isoleucine at codon 11 of the STK11 protein. Computational prediction suggests that this variant may not impact protein structure and function (internally defined REVEL score threshold <= 0.5, PMID: 27666373). To our knowledge, functional studies have not been reported for this variant. This variant has been reported in individuals affected with lung cancer (PMID: 20082862) and in a control individual from the same study. This variant has been identified in 1/228006 chromosomes in the general population by the Genome Aggregation Database (gnomAD). The available evidence is insufficient to determine the role of this variant in disease conclusively. Therefore, this variant is classified as a Variant of Uncertain Significance.